The following is an entry in ClinVar:

ClinVar aggregate classification (germline): Uncertain significance (1 of 4 stars; one submission).

Conditions:
Cardiovascular phenotype. Identifiers: MedGen CN230736.

Allele frequency attached by ClinVar (database versions not stated): gnomAD 0.00001.
gnomAD v4.1: 2 of 1,613,936 alleles (0.00012%); highest among the groups gnomAD compares: African/African-American, 0.0027%; no homozygotes.

Submission:

Ambry Genetics
Classification: Uncertain significance for Cardiovascular phenotype. Last evaluated: 2022-11-27. Review status: criteria provided, single submitter. Criteria: Ambry Variant Classification Scheme 2023. Collection method: clinical testing. Allele origin: germline.
Comment: The p.N803D variant (also known as c.2407A>G), located in coding exon 18 of the LAMA4 gene, results from an A to G substitution at nucleotide position 2407. The asparagine at codon 803 is replaced by aspartic acid, an amino acid with highly similar properties. This amino acid position is conserved. In addition, this alteration is predicted to be tolerated by in silico analysis. Since supporting evidence is limited at this time, the clinical significance of this alteration remains unclear.

NM_001105206.3(LAMA4):c.2428A>G (p.Asn810Asp)

Gene: LAMA4 (laminin subunit alpha 4; minus strand). Cytogenetic location: 6q21.
Variant type: single nucleotide variant.
Coding change: c.2428A>G on transcript NM_001105206.3 (MANE Select); coding-DNA position 2428, A replaced by G.
Protein change: p.Asn810Asp; replaces asparagine 810 with aspartic acid.
Molecular consequence: missense variant.
Genome position (GRCh38, 1-based): chr6:112,144,859, T>C on the plus strand (A>G on the coding strand, the complement: LAMA4 is on the minus strand). VCF-style: chr6-112144859-T-C. GRCh37 (hg19) VCF-style: chr6-112466061-T-C.
Other names: c.2407A>G, p.Asn803Asp (NM_001105207.3, NM_002290.5); short protein forms N803D, N810D.
Identifiers: ClinVar variation 2447549 (VCV002447549.2), dbSNP rs1554334138, ClinGen allele CA365382787.